The following is an entry in ClinVar:

ClinVar aggregate classification (germline): Uncertain significance (1 of 4 stars; one submission).

Submission:

GeneDx
Classification: Uncertain significance. Last evaluated: 2024-05-24. Review status: criteria provided, single submitter. Criteria: GeneDx Variant Classification Process June 2021. Collection method: clinical testing. Allele origin: germline. Affected: yes.
Comment: Not observed at significant frequency in large population cohorts (gnomAD); In silico analysis supports that this missense variant has a deleterious effect on protein structure/function; Has not been previously published as pathogenic or benign to our knowledge

NM_002232.5(KCNA3):c.1355C>A (p.Pro452Gln)

Gene: KCNA3 (potassium voltage-gated channel subfamily A member 3; minus strand). Cytogenetic location: 1p13.3.
Variant type: single nucleotide variant.
Coding change: c.1355C>A on transcript NM_002232.5 (MANE Select); coding-DNA position 1355, C replaced by A.
Protein change: p.Pro452Gln; replaces proline 452 with glutamine.
Molecular consequence: missense variant.
Genome position (GRCh38, 1-based): chr1:110,673,455, G>T on the plus strand (C>A on the coding strand, the complement: KCNA3 is on the minus strand). VCF-style: chr1-110673455-G-T. GRCh37 (hg19) VCF-style: chr1-111216077-G-T.
Other names: short protein forms P452Q.
Identifiers: ClinVar variation 3381363 (VCV003381363.1).